The following is an entry in ClinVar:

NM_001042492.3(NF1):c.4970A>G (p.Asp1657Gly)

Gene: NF1 (neurofibromin 1; plus strand). Cytogenetic location: 17q11.2.
Variant type: single nucleotide variant.
Coding change: c.4970A>G on transcript NM_001042492.3 (MANE Select); coding-DNA position 4970, A replaced by G.
Protein change: p.Asp1657Gly; replaces aspartic acid 1657 with glycine.
Molecular consequence: missense variant.
Genome position (GRCh38, 1-based): chr17:31,325,954, A>G. VCF-style: chr17-31325954-A-G. GRCh37 (hg19) VCF-style: chr17-29652972-A-G.
Other names: c.4907A>G, p.Asp1636Gly (NM_000267.4); short protein forms D1636G, D1657G.
Identifiers: ClinVar variation 2719365 (VCV002719365.3), dbSNP rs2151537937, ClinGen allele CA399007219.
Genomic context (GRCh38, chr17:31,325,954, plus strand): 5'-AGCCATATGAAATTGTAGTGGACCTTACCCATACCGGGCCTAGCAATCGCTTTAAAACAG[A>G]CTTTCTCTCTAAGTGGTTTGTTGTTTTTCCTGGCTTTGCTTACGACAACGTCTCCGCAGT-3'
Protein context (NP_001035957.1, residues 1647-1667): HTGPSNRFKT[Asp1657Gly]FLSKWFVVFP

ClinVar aggregate classification (germline): Uncertain significance (1 of 4 stars; one submission).

Conditions:
Neurofibromatosis, type 1 (NF1). Also called: Neurofibromatosis, type I; NEUROFIBROMATOSIS, TYPE I, SOMATIC; Peripheral type neurofibromatosis; VON RECKLINGHAUSEN DISEASE. Identifiers: Orphanet 636, MedGen C0027831, MONDO:0018975, OMIM 162200. Disease mechanism: loss of function.

Submission:

Labcorp Genetics (formerly Invitae), Labcorp
Classification: Uncertain significance for Neurofibromatosis, type 1. Last evaluated: 2023-05-25. Review status: criteria provided, single submitter. Criteria: Invitae Variant Classification Sherloc (09022015). Collection method: clinical testing. Allele origin: germline.
Comment: This variant is not present in population databases (gnomAD no frequency). In summary, the available evidence is currently insufficient to determine the role of this variant in disease. Therefore, it has been classified as a Variant of Uncertain Significance. Advanced modeling of protein sequence and biophysical properties (such as structural, functional, and spatial information, amino acid conservation, physicochemical variation, residue mobility, and thermodynamic stability) performed at Invitae indicates that this missense variant is expected to disrupt NF1 protein function. This variant has not been reported in the literature in individuals affected with NF1-related conditions. This sequence change replaces aspartic acid, which is acidic and polar, with glycine, which is neutral and non-polar, at codon 1636 of the NF1 protein (p.Asp1636Gly).